The following is an entry in ClinVar:

NM_000088.4(COL1A1):c.1204G>A (p.Ala402Thr)

Gene: COL1A1 (collagen type I alpha 1 chain; minus strand). Cytogenetic location: 17q21.33.
Variant type: single nucleotide variant.
Coding change: c.1204G>A on transcript NM_000088.4 (MANE Select); coding-DNA position 1204, G replaced by A.
Protein change: p.Ala402Thr; replaces alanine 402 with threonine.
Molecular consequence: missense variant.
Genome position (GRCh38, 1-based): chr17:50,195,327, C>T on the plus strand (G>A on the coding strand, the complement: COL1A1 is on the minus strand). VCF-style: chr17-50195327-C-T. GRCh37 (hg19) VCF-style: chr17-48272688-C-T.
Other names: short protein forms A402T.
Identifiers: ClinVar variation 4537133 (VCV004537133.1).

ClinVar aggregate classification (germline): Uncertain significance (1 of 4 stars; one submission).

gnomAD v4.1: 4 of 1,613,658 alleles (0.00025%); highest among the groups gnomAD compares: Non-Finnish European, 0.00034%; no homozygotes.

Submission:

Women's Health and Genetics/Laboratory Corporation of America, LabCorp
Classification: Uncertain significance. Last evaluated: 2025-11-03. Review status: criteria provided, single submitter. Criteria: LabCorp Variant Classification Summary - May 2015. Collection method: clinical testing. Allele origin: germline.
Comment: Variant summary: COL1A1 c.1204G>A (p.Ala402Thr) results in a non-conservative amino acid change in the encoded protein sequence. Algorithms developed to predict the effect of missense changes on protein structure and function all suggest that this variant is likely to be disruptive. The variant was absent in 251040 control chromosomes. The available data on variant occurrences in the general population are insufficient to allow any conclusion about variant significance. To our knowledge, no occurrence of c.1204G>A in individuals affected with COL1A1-related conditions and no experimental evidence demonstrating its impact on protein function have been reported. No submitters have cited clinical-significance assessments for this variant to ClinVar. Based on the evidence outlined above, the variant was classified as uncertain significance.